The following is an entry in ClinVar:

NM_004370.6(COL12A1):c.1215C>T (p.Ser405=)

Gene: COL12A1 (collagen type XII alpha 1 chain; minus strand). Cytogenetic location: 6q13.
Variant type: single nucleotide variant.
Coding change: c.1215C>T on transcript NM_004370.6 (MANE Select); coding-DNA position 1215, C replaced by T.
Protein change: p.Ser405=; no amino-acid change (serine 405 retained).
Molecular consequence: synonymous variant. On other transcripts: intron variant (1).
Genome position (GRCh38, 1-based): chr6:75,183,927, G>A on the plus strand (C>T on the coding strand, the complement: COL12A1 is on the minus strand). VCF-style: chr6-75183927-G-A. GRCh37 (hg19) VCF-style: chr6-75893643-G-A.
Other names: c.73+18793C>T (NM_080645.3).
Identifiers: ClinVar variation 705374 (VCV000705374.17), dbSNP rs374962362, ClinGen allele CA3894243.

ClinVar aggregate classification (germline): Likely benign. Review status: criteria provided, multiple submitters, no conflicts (2 of 4 stars). 5 submissions from 5 submitters: Likely benign (4). 1 of the submissions does not count toward it. Last evaluated 2026-08-01.

Conditions:
COL12A1-related disorder. Also called: COL12A1-related condition.
Ullrich congenital muscular dystrophy 2 (UCMD2). Identifiers: Orphanet 75840, MedGen C4225314, MONDO:0014654, OMIM 616470.
Bethlem myopathy 2 (BTHLM2). Identifiers: Orphanet 536516, Orphanet 610, MedGen C4225313, MONDO:0034022, OMIM 616471.

Allele frequency attached by ClinVar (database versions not stated): gnomAD exomes 0.00007 and 0.00020; ExAC 0.00026; ESP Exome Variant Server 0.00048; gnomAD 0.00049 and 0.00051; TOPMed 0.00059.
gnomAD v4.1: 174 of 1,614,130 alleles (0.011%); highest among the groups gnomAD compares: African/African-American, 0.15%; no homozygotes.

Submissions (5):

CeGaT Center for Human Genetics Tuebingen
Classification: Likely benign. Last evaluated: 2026-08-01. Review status: criteria provided, single submitter. Criteria: CeGaT Center For Human Genetics Tuebingen Variant Classification Criteria Version 2. Collection method: clinical testing. Allele origin: germline. Affected: yes. Observed: 1 variant allele.
Comment: COL12A1: BP4, BP7

Women's Health and Genetics/Laboratory Corporation of America, LabCorp
Classification: Likely benign. Last evaluated: 2026-03-30. Review status: criteria provided, single submitter. Criteria: LabCorp Variant Classification Summary - May 2015. Collection method: clinical testing. Allele origin: germline.

Labcorp Genetics (formerly Invitae), Labcorp
Classification: Likely benign for Bethlem myopathy 2; Ullrich congenital muscular dystrophy 2. Last evaluated: 2026-01-26. Review status: criteria provided, single submitter. Criteria: Invitae Variant Classification Sherloc (09022015). Collection method: clinical testing. Allele origin: germline.

GeneDx
Classification: Likely benign. Last evaluated: 2020-10-05. Review status: criteria provided, single submitter. Criteria: GeneDx Variant Classification Process June 2021. Collection method: clinical testing. Allele origin: germline. Affected: yes.

PreventionGenetics, part of Exact Sciences
Classification: Likely benign for COL12A1-related condition. Last evaluated: 2022-08-06. Review status: no assertion criteria provided. Collection method: clinical testing. Allele origin: germline. Not counted in ClinVar's aggregate classification.
Comment: This variant is classified as likely benign based on ACMG/AMP sequence variant interpretation guidelines (Richards et al. 2015 PMID: 25741868, with internal and published modifications).